The following is an entry in ClinVar:

ClinVar aggregate classification (germline): Pathogenic/Likely pathogenic. Review status: criteria provided, multiple submitters, no conflicts (2 of 4 stars). 2 submissions from 2 submitters: Pathogenic (1); Likely pathogenic (1). Last evaluated 2025-02-08.

Conditions:
Miyoshi muscular dystrophy 1 (MMD1). Identifiers: Orphanet 45448, MedGen C4551973, MONDO:0024545, OMIM 254130.
Neuromuscular disease caused by qualitative or quantitative defects of dysferlin. Also called: Qualitative or quantitative defects of dysferlin; Dysferlinopathy. Identifiers: Orphanet 207073, MedGen C2931687, MONDO:0016145.

gnomAD v4.1: 1 of 1,613,696 alleles (0.000062%); no homozygotes.

Submissions (2):

Labcorp Genetics (formerly Invitae), Labcorp
Classification: Likely pathogenic for Neuromuscular disease caused by qualitative or quantitative defects of dysferlin. Last evaluated: 2025-02-08. Review status: criteria provided, single submitter. Criteria: Invitae Variant Classification Sherloc (09022015). Collection method: clinical testing. Allele origin: germline.
Comment: This sequence change affects an acceptor splice site in intron 2 of the DYSF gene. It is expected to disrupt RNA splicing. Variants that disrupt the donor or acceptor splice site typically lead to a loss of protein function (PMID: 16199547), and loss-of-function variants in DYSF are known to be pathogenic (PMID: 17698709, 20301480). This variant is not present in population databases (gnomAD no frequency). This variant has not been reported in the literature in individuals affected with DYSF-related conditions. ClinVar contains an entry for this variant (Variation ID: 2674994). Algorithms developed to predict the effect of sequence changes on RNA splicing suggest that this variant may disrupt the consensus splice site. In summary, the currently available evidence indicates that the variant is pathogenic, but additional data are needed to prove that conclusively. Therefore, this variant has been classified as Likely Pathogenic.

Baylor Genetics
Classification: Pathogenic for Miyoshi muscular dystrophy 1. Last evaluated: 2023-01-16. Review status: criteria provided, single submitter. Criteria: ACMG Guidelines, 2015. Collection method: clinical testing. Allele origin: unknown.

Literature cited by the submitters: PubMed 16199547 (cited by Labcorp Genetics (formerly Invitae), Labcorp); PubMed 17698709 (cited by Labcorp Genetics (formerly Invitae), Labcorp); PubMed 20301480 (cited by Labcorp Genetics (formerly Invitae), Labcorp).

NM_001130987.2(DYSF):c.148-2A>G

Gene: DYSF (dysferlin; plus strand). Cytogenetic location: 2p13.2.
Variant type: single nucleotide variant.
Coding change: c.148-2A>G on transcript NM_001130987.2 (MANE Select); the canonical splice acceptor site of the intron before coding-DNA position 148, A replaced by G.
Molecular consequence: splice acceptor variant.
Genome position (GRCh38, 1-based): chr2:71,481,877, A>G. VCF-style: chr2-71481877-A-G. GRCh37 (hg19) VCF-style: chr2-71709007-A-G.
Other names: c.145-2A>G (NM_001130979.2, NM_001130981.2, NM_001130980.2 and 4 more transcripts); c.148-2A>G (NM_001130982.2, NM_001130985.2, NM_001130983.2 and 3 more transcripts).
Identifiers: ClinVar variation 2674994 (VCV002674994.2), dbSNP rs2467183830, ClinGen allele CA347216203.